The following is an entry in ClinVar:

NM_199420.4(POLQ):c.763C>A (p.Leu255Met)

Gene: POLQ (DNA polymerase theta; minus strand). Cytogenetic location: 3q13.33.
Variant type: single nucleotide variant.
Coding change: c.763C>A on transcript NM_199420.4 (MANE Select); coding-DNA position 763, C replaced by A.
Protein change: p.Leu255Met; replaces leucine 255 with methionine.
Molecular consequence: missense variant.
Genome position (GRCh38, 1-based): chr3:121,533,187, G>T on the plus strand (C>A on the coding strand, the complement: POLQ is on the minus strand). VCF-style: chr3-121533187-G-T. GRCh37 (hg19) VCF-style: chr3-121252034-G-T.
Other names: short protein forms L255M.
Identifiers: ClinVar variation 1759925 (VCV001759925.2), dbSNP rs2546819779, ClinGen allele CA354126779.
Genomic context (GRCh38, chr3:121,533,187, plus strand): 5'-CCACAAGCTCCAAATTAGGAAGGGTAGCACTCATGCCAACGATTTGCACAGCATTAGACA[G>T]AGAACTGGCTAGATCTGCCTGACTGTAAAAAAACAAATGAAAAGAACATTAAAAGATATA-3'
Protein context (NP_955452.3, residues 245-265): ASCQADLASS[Leu255Met]SNAVQIVGMS

ClinVar aggregate classification (germline): Uncertain significance (1 of 4 stars; one submission).

Submission:

Ambry Genetics
Classification: Uncertain significance. Last evaluated: 2021-06-18. Review status: criteria provided, single submitter. Criteria: Ambry Variant Classification Scheme 2023. Collection method: clinical testing. Allele origin: germline.
Comment: The p.L255M variant (also known as c.763C>A), located in coding exon 6 of the POLQ gene, results from a C to A substitution at nucleotide position 763. The leucine at codon 255 is replaced by methionine, an amino acid with highly similar properties. This amino acid position is conserved. In addition, this alteration is predicted to be tolerated by in silico analysis. Since supporting evidence is limited at this time, the clinical significance of this alteration remains unclear.